The following is an entry in ClinVar:

ClinVar aggregate classification (germline): Likely benign. Review status: criteria provided, multiple submitters, no conflicts (2 of 4 stars). 3 submissions from 3 submitters: Likely benign (3). Last evaluated 2026-01-26.

Conditions:
Cardiovascular phenotype. Identifiers: MedGen CN230736.
ALPK3-related disorder. Also called: ALPK3-related condition.

Allele frequency attached by ClinVar (database versions not stated): gnomAD 0.00008 and 0.00009; gnomAD exomes 0.00002 and below 0.00001; ESP Exome Variant Server 0.00008; ExAC 0.00003; TOPMed 0.00007; 1000 Genomes Project 30x 0.00016; 1000 Genomes Project 0.00020.

Submissions (3):

PreventionGenetics, part of Exact Sciences
Classification: Likely benign for ALPK3-related condition. Last evaluated: 2026-01-26. Review status: criteria provided, single submitter. Criteria: ACMG Guidelines, 2015. Collection method: clinical testing. Allele origin: germline.
Comment: This variant is classified as likely benign based on ACMG/AMP sequence variant interpretation guidelines (Richards et al. 2015 PMID: 25741868, with internal and published modifications).

Labcorp Genetics (formerly Invitae), Labcorp
Classification: Likely benign. Last evaluated: 2025-12-14. Review status: criteria provided, single submitter. Criteria: Invitae Variant Classification Sherloc (09022015). Collection method: clinical testing. Allele origin: germline.

Ambry Genetics
Classification: Likely benign for Cardiovascular phenotype. Last evaluated: 2020-08-25. Review status: criteria provided, single submitter. Criteria: Ambry Variant Classification Scheme 2023. Collection method: clinical testing. Allele origin: germline.

NC_000015.10:g.84816921G>A

Gene: ALPK3 (alpha kinase 3; plus strand). Cytogenetic location: 15q25.3.
Variant type: single nucleotide variant.
Genome position: GRCh38 VCF-style: chr15-84816921-G-A. GRCh37 (hg19) VCF-style: chr15-85360152-G-A.
Identifiers: ClinVar variation 1646964 (VCV001646964.10), dbSNP rs146005696, ClinGen allele CA7708783.